The following is an entry in ClinVar:

NM_015378.4(VPS13D):c.6556C>G (p.Leu2186Val)

Gene: VPS13D (vacuolar protein sorting 13 homolog D; plus strand). Cytogenetic location: 1p36.22.
Variant type: single nucleotide variant.
Coding change: c.6556C>G on transcript NM_015378.4 (MANE Select); coding-DNA position 6556, C replaced by G.
Protein change: p.Leu2186Val; replaces leucine 2186 with valine.
Molecular consequence: missense variant.
Genome position (GRCh38, 1-based): chr1:12,308,547, C>G. VCF-style: chr1-12308547-C-G. GRCh37 (hg19) VCF-style: chr1-12368604-C-G.
Other names: c.6556C>G, p.Leu2186Val (NM_018156.4); c.6556C>G (NM_015378.2); short protein forms L2186V.
Identifiers: ClinVar variation 2197963 (VCV002197963.5), dbSNP rs138572496, ClinGen allele CA18063756.
Genomic context (GRCh38, chr1:12,308,547, plus strand): 5'-TTTGCTGCAGAGAGACATCCGAGAGAATACTCGAAGGCACCAGAGGATAGTAGTGGAGAT[C>G]TGATCTTCCCTTCCTATTTTGTGCGACAGACAGGAGGAAGCCTCTTAACCGAGCCTTGTA-3'
Protein context (NP_056193.2, residues 2176-2196): SKAPEDSSGD[Leu2186Val]IFPSYFVRQT

ClinVar aggregate classification (germline): Uncertain significance. Review status: criteria provided, multiple submitters, no conflicts (2 of 4 stars). 2 submissions from 2 submitters: Uncertain significance (2). Last evaluated 2025-06-24.

Conditions:
Inborn genetic diseases. Identifiers: MedGen C0950123, MeSH D030342.

Allele frequency attached by ClinVar (database versions not stated): gnomAD 0.00001; gnomAD exomes 0.00001; TOPMed 0.00005; ESP Exome Variant Server 0.00008.
gnomAD v4.1: 9 of 1,613,976 alleles (0.00056%); highest among the groups gnomAD compares: Admixed American, 0.005%; no homozygotes.

Submissions (2):

Ambry Genetics
Classification: Uncertain significance for Inborn genetic diseases. Last evaluated: 2025-06-24. Review status: criteria provided, single submitter. Criteria: Ambry Variant Classification Scheme 2023. Collection method: clinical testing. Allele origin: germline.

Labcorp Genetics (formerly Invitae), Labcorp
Classification: Uncertain significance. Last evaluated: 2023-11-20. Review status: criteria provided, single submitter. Criteria: Invitae Variant Classification Sherloc (09022015). Collection method: clinical testing. Allele origin: germline.
Comment: This sequence change replaces leucine, which is neutral and non-polar, with valine, which is neutral and non-polar, at codon 2186 of the VPS13D protein (p.Leu2186Val). This variant is present in population databases (rs138572496, gnomAD 0.003%). This variant has not been reported in the literature in individuals affected with VPS13D-related conditions. ClinVar contains an entry for this variant (Variation ID: 2197963). Advanced modeling of protein sequence and biophysical properties (such as structural, functional, and spatial information, amino acid conservation, physicochemical variation, residue mobility, and thermodynamic stability) performed at Invitae indicates that this missense variant is not expected to disrupt VPS13D protein function with a negative predictive value of 80%. In summary, the available evidence is currently insufficient to determine the role of this variant in disease. Therefore, it has been classified as a Variant of Uncertain Significance.